The following is an entry in ClinVar:

ClinVar aggregate classification (germline): Uncertain significance. Review status: criteria provided, single submitter (1 of 4 stars). 2 submissions from 2 submitters: Uncertain significance (1). 1 of the submissions does not count toward it. Last evaluated 2022-10-04.

Conditions:
Mucopolysaccharidosis, MPS-III-C (MPS3C). Also called: MPS IIIC (Sanfilippo Syndrome Type C); MUCOPOLYSACCHARIDOSIS, TYPE IIIC; Mucopolysaccharidosis type IIIC (Sanfilippo C); mucopolysaccharidosis type 3C; SANFILIPPO SYNDROME C; MPS III C. Identifiers: Orphanet 581, Orphanet 79271, MedGen C0086649, MONDO:0009657, OMIM 252930.
Retinitis pigmentosa 73 (RP73). Identifiers: Orphanet 791, MedGen C4225287, MONDO:0014687, OMIM 616544.

Allele frequency attached by ClinVar (database versions not stated): TOPMed 0.00006.
gnomAD v4.1: 14 of 1,613,868 alleles (0.00087%); highest among the groups gnomAD compares: East Asian, 0.027%; no homozygotes.

Submissions (2):

Labcorp Genetics (formerly Invitae), Labcorp
Classification: Uncertain significance for Retinitis pigmentosa 73; Mucopolysaccharidosis, MPS-III-C. Last evaluated: 2022-10-04. Review status: criteria provided, single submitter. Criteria: Invitae Variant Classification Sherloc (09022015). Collection method: clinical testing. Allele origin: germline.
Comment: This sequence change replaces lysine, which is basic and polar, with arginine, which is basic and polar, at codon 95 of the HGSNAT protein (p.Lys95Arg). This variant is present in population databases (rs374071098, gnomAD 0.05%). This variant has not been reported in the literature in individuals affected with HGSNAT-related conditions. ClinVar contains an entry for this variant (Variation ID: 967778). Advanced modeling of protein sequence and biophysical properties (such as structural, functional, and spatial information, amino acid conservation, physicochemical variation, residue mobility, and thermodynamic stability) performed at Invitae indicates that this missense variant is not expected to disrupt HGSNAT protein function. In summary, the available evidence is currently insufficient to determine the role of this variant in disease. Therefore, it has been classified as a Variant of Uncertain Significance.

Natera, Inc.
Classification: Uncertain significance for Mucopolysaccharidosis type IIIC. Last evaluated: 2020-02-13. Review status: no assertion criteria provided. Collection method: clinical testing. Allele origin: germline. Not counted in ClinVar's aggregate classification.

NM_152419.3(HGSNAT):c.284A>G (p.Lys95Arg)

Gene: HGSNAT (heparan-alpha-glucosaminide N-acetyltransferase; plus strand). Cytogenetic location: 8p11.21.
Variant type: single nucleotide variant.
Coding change: c.284A>G on transcript NM_152419.3 (MANE Select); coding-DNA position 284, A replaced by G.
Protein change: p.Lys95Arg; replaces lysine 95 with arginine.
Molecular consequence: missense variant. On other transcripts: 5 prime UTR variant (1).
Genome position (GRCh38, 1-based): chr8:43,158,624, A>G. VCF-style: chr8-43158624-A-G. GRCh37 (hg19) VCF-style: chr8-43013767-A-G.
Other names: c.284A>G, p.Lys95Arg (NM_001363227.2, NM_001363228.2); c.-550A>G (NM_001363229.2); short protein forms K95R.
Identifiers: ClinVar variation 967778 (VCV000967778.4), dbSNP rs374071098, ClinGen allele CA4736470.